The following is an entry in ClinVar:

ClinVar aggregate classification (germline): Likely pathogenic (1 of 4 stars; one submission).

Conditions:
Encephalopathy, acute, infection-induced, susceptibility to, 9. Identifiers: MedGen C5193089, MONDO:0032742, OMIM 618426.

Submission:

Victorian Clinical Genetics Services, Murdoch Childrens Research Institute
Classification: Likely pathogenic for Encephalopathy, acute, infection-induced, susceptibility to, 9. Last evaluated: 2023-07-17. Review status: criteria provided, single submitter. Criteria: ACMG Guidelines, 2015. Collection method: clinical testing. Allele origin: germline. Inheritance: Autosomal recessive inheritance. Affected: yes.
Comment: Based on the classification scheme VCGS_Germline_v1.3.4, this variant is classified as Likely Pathogenic. Following criteria are met: 0102 - Loss of function is a known mechanism of disease in this gene and is associated with susceptibility to infection-induced acute encephalopathy (MIM#618426). (I) 0106 - This gene is associated with autosomal recessive disease. (I) 0200 - Variant is predicted to result in a missense amino acid change from isoleucine to threonine. (I) 0251 - This variant is heterozygous. (I) 0301 - Variant is absent from gnomAD (both v2 and v3). (SP) 0309 - An alternative amino acid change at the same position has been observed in gnomAD (highest allele count v2: 40 heterozygotes, 0 homozygotes). (I) 0501 - Missense variant consistently predicted to be damaging by multiple in silico tools or highly conserved with a major amino acid change. (SP) 0604 - Variant is not located in an established domain, motif, hotspot or informative constraint region. (I) 0705 - No comparable missense variants have previous evidence for pathogenicity. (I) 0807 - This variant has no previous evidence of pathogenicity. (I) 0905 - No published segregation evidence has been identified for this variant. (I) 1002 - This variant has moderate functional evidence supporting abnormal protein function. Using this individual's fibroblasts, western blot and quantitative proteomics demonstrated a reduction in both NUP214 and other subunits within the nuclear pore complex; which resulted in a reduction in nuclear pore density (personal communication). (SP) 1102 - Strong phenotype match for this individual. (SP) 1201 - Heterozygous variant detected in trans with a pathogenic heterozygous variant (NM_005085.3:c.112C>T; p.(Arg38Cys)) in a recessive disease. (I) Legend: (SP) - Supporting pathogenic, (I) - Information, (SB) - Supporting benign

NM_005085.4(NUP214):c.929T>C (p.Ile310Thr)

Gene: NUP214 (nucleoporin 214; plus strand). Cytogenetic location: 9q34.13.
Variant type: single nucleotide variant.
Coding change: c.929T>C on transcript NM_005085.4 (MANE Select); coding-DNA position 929, T replaced by C.
Protein change: p.Ile310Thr; replaces isoleucine 310 with threonine.
Molecular consequence: missense variant.
Genome position (GRCh38, 1-based): chr9:131,134,995, T>C. VCF-style: chr9-131134995-T-C. GRCh37 (hg19) VCF-style: chr9-134010382-T-C.
Other names: c.929T>C, p.Ile310Thr (NM_001318324.2); short protein forms I310T.
Identifiers: ClinVar variation 2500761 (VCV002500761.2), dbSNP rs2538417680, ClinGen allele CA375269747.
Genomic context (GRCh38, chr9:131,134,995, plus strand): 5'-TTATGGAGCCCTGTTATGGCAGCTGCACGGAGAGACAGCATCATTACTACCTCAGTTACA[T>C]TGAGGAATGGTGAGCAGAGAGTCTGGACAGGGCATTCCTGCTCTCACTGGAAGATCACAC-3'
Protein context (NP_005076.3, residues 300-320): ERQHHYYLSY[Ile310Thr]EEWDLVLAAS